The following is an entry in ClinVar:

NM_001370466.1(NOD2):c.234G>A (p.Ala78=)

Gene: NOD2 (nucleotide binding oligomerization domain containing 2; plus strand). Cytogenetic location: 16q12.1.
Variant type: single nucleotide variant.
Coding change: c.234G>A on transcript NM_001370466.1 (MANE Select); coding-DNA position 234, G replaced by A.
Protein change: p.Ala78=; no amino-acid change (alanine 78 retained).
Molecular consequence: synonymous variant. On other transcripts: non-coding transcript variant (1).
Genome position (GRCh38, 1-based): chr16:50,699,729, G>A. VCF-style: chr16-50699729-G-A. GRCh37 (hg19) VCF-style: chr16-50733640-G-A.
Other names: c.315G>A (LRG_177t1); c.234G>A, p.Ala78= (NM_001293557.2); c.315G>A, p.Ala105= (NM_022162.3).
Identifiers: ClinVar variation 97875 (VCV000097875.12), dbSNP rs104895419, ClinGen allele CA150327.

ClinVar aggregate classification (germline): Benign/Likely benign. Review status: criteria provided, multiple submitters, no conflicts (2 of 4 stars). 4 submissions from 4 submitters: Benign (1); Likely benign (2). 1 of the submissions does not count toward it. Last evaluated 2024-10-11.

Conditions:
Blau syndrome (BLAUS). Also called: ARTHROCUTANEOUVEAL GRANULOMATOSIS; GRANULOMATOSIS, FAMILIAL JUVENILE SYSTEMIC; GRANULOMATOSIS, FAMILIAL, BLAU TYPE; GRANULOMATOUS INFLAMMATORY ARTHRITIS, DERMATITIS, AND UVEITIS, FAMILIAL; JABS SYNDROME. Identifiers: Orphanet 90340, MedGen C5201146, MONDO:0008523, OMIM 186580.
Regional enteritis. Also called: Enteritis, Granulomatous. Identifiers: MedGen C0678202, MeSH D003424.

Allele frequency attached by ClinVar (database versions not stated): ExAC 0.00005; gnomAD 0.00009 and 0.00010; TOPMed 0.00010.
gnomAD v4.1: 213 of 1,613,968 alleles (0.013%); highest among the groups gnomAD compares: Non-Finnish European, 0.017%; no homozygotes.

Submissions (4):

ARUP Laboratories, Molecular Genetics and Genomics, ARUP Laboratories
Classification: Likely benign. Last evaluated: 2024-10-11. Review status: criteria provided, single submitter. Criteria: ARUP Molecular Germline Variant Investigation Process 2024. Collection method: clinical testing. Allele origin: germline.

Labcorp Genetics (formerly Invitae), Labcorp
Classification: Benign for Regional enteritis; Blau syndrome. Last evaluated: 2024-07-22. Review status: criteria provided, single submitter. Criteria: Invitae Variant Classification Sherloc (09022015). Collection method: clinical testing. Allele origin: germline.

Blueprint Genetics
Classification: Likely benign. Last evaluated: 2023-10-20. Review status: criteria provided, single submitter. Criteria: ACMG Guidelines, 2015. Collection method: clinical testing. Allele origin: germline.

Unité médicale des maladies autoinflammatoires, CHRU Montpellier
No classification provided. Condition: Sarcoidosis, early-onset. Review status: no classification provided. Collection method: not provided. Allele origin: unknown. Not counted in ClinVar's aggregate classification.
Comment: also involved in OMIM 186580 and 266600